The following is an entry in ClinVar:

ClinVar aggregate classification (germline): Benign/Likely benign. Review status: criteria provided, multiple submitters, no conflicts (2 of 4 stars). 3 submissions from 3 submitters: Benign (1); Likely benign (2). Last evaluated 2025-03-04.

Conditions:
Hereditary nonpolyposis colorectal neoplasms. Identifiers: MedGen C0009405, MeSH D003123.
Lynch syndrome 5 (LYNCH5). Also called: Colorectal cancer, hereditary nonpolyposis, type 5; Hereditary non-polyposis colorectal cancer, type 5. Identifiers: Orphanet 144, MedGen C1833477, MONDO:0013710, OMIM 614350. Disease mechanism: loss of function.

Submissions (3):

Center for Genomic Medicine, Rigshospitalet, Copenhagen University Hospital
Classification: Likely benign. Last evaluated: 2025-03-04. Review status: criteria provided, single submitter. Criteria: ACMG Guidelines, 2015. Collection method: clinical testing. Allele origin: germline.

Myriad Genetics, Inc.
Classification: Benign for Lynch syndrome 5. Last evaluated: 2024-12-19. Review status: criteria provided, single submitter. Criteria: Myriad Autosomal Dominant, Autosomal Recessive and X-Linked Classification Criteria (2023). Collection method: clinical testing. Allele origin: unknown.
Comment: This variant is considered benign. This variant is a silent/synonymous amino acid change and it is not expected to impact splicing.

Labcorp Genetics (formerly Invitae), Labcorp
Classification: Likely benign for Hereditary nonpolyposis colorectal neoplasms. Last evaluated: 2022-04-05. Review status: criteria provided, single submitter. Criteria: Invitae Variant Classification Sherloc (09022015). Collection method: clinical testing. Allele origin: germline.

NM_000179.3(MSH6):c.606A>T (p.Pro202=)

Gene: MSH6 (mutS homolog 6; plus strand). Cytogenetic location: 2p16.3.
Variant type: single nucleotide variant.
Coding change: c.606A>T on transcript NM_000179.3 (MANE Select); coding-DNA position 606, A replaced by T.
Protein change: p.Pro202=; no amino-acid change (proline 202 retained).
Molecular consequence: synonymous variant. On other transcripts: 5 prime UTR variant (2), non-coding transcript variant (5), intron variant (8).
Genome position (GRCh38, 1-based): chr2:47,796,042, A>T. VCF-style: chr2-47796042-A-T. GRCh37 (hg19) VCF-style: chr2-48023181-A-T.
Other names: c.-297A>T (NM_001281494.2); c.702A>T, p.Pro234= (NM_001406795.1, NM_001406802.1); c.606A>T, p.Pro202= (NM_001406796.1, NM_001406798.1, NM_001406800.1 and 5 more transcripts); c.309A>T, p.Pro103= (NM_001406797.1, NM_001406801.1, NM_001406805.1 and 10 more transcripts); c.81A>T, p.Pro27= (NM_001406799.1, NM_001406806.1, NM_001406807.1); c.528A>T, p.Pro176= (NM_001406804.1); c.612A>T, p.Pro204= (NM_001406813.1); c.-389A>T (NM_001406814.1); and 3 more.
Identifiers: ClinVar variation 2121721 (VCV002121721.7), dbSNP rs2104239949, ClinGen allele CA425993197.
Genomic context (GRCh38, chr2:47,796,042, plus strand): 5'-CTTAAATAAAGACAAGATTAAGAGGCTTGAATTGGCAGTTTGTGATGAGCCCTCAGAGCC[A>T]GAAGAGGAAGAAGAGATGGAGGTGGGACACGGCAAGCATTCAGTTGTTATTTATGTTAGG-3'
Protein context (NP_000170.1, residues 192-212): ELAVCDEPSE[Pro202=]EEEEEMEVGT